The following is an entry in ClinVar:

ClinVar aggregate classification (germline): Uncertain significance (1 of 4 stars; one submission).

Conditions:
Hereditary cancer-predisposing syndrome. Also called: Neoplastic Syndromes, Hereditary; Tumor predisposition; Hereditary neoplastic syndrome; Hereditary Cancer Syndrome. Identifiers: Orphanet 140162, MedGen C0027672, MeSH D009386, MONDO:0015356.

Submission:

Ambry Genetics
Classification: Uncertain significance for Hereditary cancer-predisposing syndrome. Last evaluated: 2023-11-14. Review status: criteria provided, single submitter. Criteria: Ambry Variant Classification Scheme 2023. Collection method: clinical testing. Allele origin: germline.
Comment: The p.P12R variant (also known as c.35C>G), located in coding exon 1 of the SUFU gene, results from a C to G substitution at nucleotide position 35. The proline at codon 12 is replaced by arginine, an amino acid with dissimilar properties. This amino acid position is conserved. In addition, this alteration is predicted to be tolerated by in silico analysis. Since supporting evidence is limited at this time, the clinical significance of this alteration remains unclear.

NM_016169.4(SUFU):c.35C>G (p.Pro12Arg)

Genes: SUFU (SUFU negative regulator of hedgehog signaling; plus strand), LOC130004614 (ATAC-STARR-seq lymphoblastoid silent region 2764; plus strand). Cytogenetic location: 10q24.32.
Variant type: single nucleotide variant.
Coding change: c.35C>G on transcript NM_016169.4 (MANE Select); coding-DNA position 35, C replaced by G.
Protein change: p.Pro12Arg; replaces proline 12 with arginine.
Molecular consequence: missense variant.
Genome position (GRCh38, 1-based): chr10:102,504,187, C>G. VCF-style: chr10-102504187-C-G. GRCh37 (hg19) VCF-style: chr10-104263944-C-G.
Other names: c.35C>G, p.Pro12Arg (NM_001178133.2); short protein forms P12R.
Identifiers: ClinVar variation 3226880 (VCV003226880.1), dbSNP rs2544830107, ClinGen allele CA377886184.